The following is an entry in ClinVar:

NM_000051.4(ATM):c.3060A>G (p.Thr1020=)

Gene: ATM (ATM serine/threonine kinase; plus strand). Cytogenetic location: 11q22.3.
Variant type: single nucleotide variant.
Coding change: c.3060A>G on transcript NM_000051.4 (MANE Select); coding-DNA position 3060, A replaced by G.
Protein change: p.Thr1020=; no amino-acid change (threonine 1020 retained).
Molecular consequence: synonymous variant.
Genome position (GRCh38, 1-based): chr11:108,271,389, A>G. VCF-style: chr11-108271389-A-G. GRCh37 (hg19) VCF-style: chr11-108142116-A-G.
Other names: c.3060A>G, p.Thr1020= (NM_001351834.2).
Identifiers: ClinVar variation 822766 (VCV000822766.13), dbSNP rs1591604737, ClinGen allele CA476674439.

ClinVar aggregate classification (germline): Conflicting classifications of pathogenicity. Review status: criteria provided, conflicting classifications (1 of 4 stars). 3 submissions from 3 submitters: Uncertain significance (1); Benign (1); Likely benign (1). Last evaluated 2024-11-21.

Conditions:
Hereditary cancer-predisposing syndrome. Also called: Hereditary Cancer Syndrome; Neoplastic Syndromes, Hereditary; Hereditary neoplastic syndrome; Tumor predisposition. Identifiers: Orphanet 140162, MedGen C0027672, MeSH D009386, MONDO:0015356.
Ataxia-telangiectasia syndrome (AT). Also called: Cerebello-oculocutaneous telangiectasia; Immunodeficiency with ataxia telangiectasia; Ataxia-telangiectasia, complementation group E; Ataxia-telangiectasia, complementation group D; AT, COMPLEMENTATION GROUP C; ATAXIA-TELANGIECTASIA, COMPLEMENTATION GROUP A. Identifiers: Orphanet 100, MedGen C0004135, MONDO:0008840, OMIM 208900.
Familial cancer of breast. Also called: Hereditary breast cancer; hereditary breast carcinoma; BREAST CANCER, FAMILIAL. Identifiers: Orphanet 227535, MedGen C0346153, MONDO:0016419, OMIM 114480. Disease mechanism: loss of function.

Submissions (3):

Labcorp Genetics (formerly Invitae), Labcorp
Classification: Uncertain significance for Ataxia-telangiectasia syndrome. Last evaluated: 2024-11-21. Review status: criteria provided, single submitter. Criteria: Invitae Variant Classification Sherloc (09022015). Collection method: clinical testing. Allele origin: germline.
Comment: This sequence change affects codon 1020 of the ATM mRNA. It is a 'silent' change, meaning that it does not change the encoded amino acid sequence of the ATM protein. This variant is not present in population databases (gnomAD no frequency). This variant has not been reported in the literature in individuals affected with ATM-related conditions. ClinVar contains an entry for this variant (Variation ID: 822766). Algorithms developed to predict the effect of sequence changes on RNA splicing suggest that this variant may create or strengthen a splice site. In summary, the available evidence is currently insufficient to determine the role of this variant in disease. Therefore, it has been classified as a Variant of Uncertain Significance.

Myriad Genetics, Inc.
Classification: Benign for Familial cancer of breast. Last evaluated: 2024-05-13. Review status: criteria provided, single submitter. Criteria: Myriad Autosomal Dominant, Autosomal Recessive and X-Linked Classification Criteria (2023). Collection method: clinical testing. Allele origin: unknown.
Comment: This variant is considered benign. This variant is a silent/synonymous amino acid change and it is not expected to impact splicing.

Ambry Genetics
Classification: Likely benign for Hereditary cancer-predisposing syndrome. Last evaluated: 2018-08-01. Review status: criteria provided, single submitter. Criteria: Ambry Variant Classification Scheme 2023. Collection method: clinical testing. Allele origin: germline.